The following is an entry in ClinVar:

NM_000349.3(STAR):c.532C>G (p.Leu178Val)

Gene: STAR (steroidogenic acute regulatory protein; minus strand). Cytogenetic location: 8p11.23.
Variant type: single nucleotide variant.
Coding change: c.532C>G on transcript NM_000349.3 (MANE Select); coding-DNA position 532, C replaced by G.
Protein change: p.Leu178Val; replaces leucine 178 with valine.
Molecular consequence: missense variant.
Genome position (GRCh38, 1-based): chr8:38,146,081, G>C on the plus strand (C>G on the coding strand, the complement: STAR is on the minus strand). VCF-style: chr8-38146081-G-C. GRCh37 (hg19) VCF-style: chr8-38003599-G-C.
Other names: c.532C>G (NM_000349.2); short protein forms L178V.
Identifiers: ClinVar variation 2171635 (VCV002171635.3), dbSNP rs956049115, ClinGen allele CA175095897.

ClinVar aggregate classification (germline): Uncertain significance. Review status: criteria provided, multiple submitters, no conflicts (2 of 4 stars). 3 submissions from 3 submitters: Uncertain significance (3). Last evaluated 2025-07-02.

Conditions:
Inborn genetic diseases. Identifiers: MedGen C0950123, MeSH D030342.
Congenital lipoid adrenal hyperplasia due to STAR deficency. Also called: Lipoid adrenal hyperplasia; ADRENAL HYPERPLASIA I; Congenital Lipoid Adrenal Hyperplasia; Cholesterol monooxygenase (side-chain cleaving) deficiency. Identifiers: Orphanet 418, Orphanet 90790, MedGen C0342474, MONDO:0008725, OMIM 201710.

Allele frequency attached by ClinVar (database versions not stated): gnomAD exomes below 0.00001; gnomAD 0.00002; TOPMed 0.00003.
gnomAD v4.1: 5 of 1,614,118 alleles (0.00031%); highest among the groups gnomAD compares: African/African-American, 0.0053%; no homozygotes.

Submissions (3):

Ambry Genetics
Classification: Uncertain significance for Inborn genetic diseases. Last evaluated: 2025-07-02. Review status: criteria provided, single submitter. Criteria: Ambry Variant Classification Scheme 2023. Collection method: clinical testing. Allele origin: germline.

Fulgent Genetics
Classification: Uncertain significance for Congenital lipoid adrenal hyperplasia due to STAR deficency. Last evaluated: 2024-01-20. Review status: criteria provided, single submitter. Criteria: ACMG Guidelines, 2015. Collection method: clinical testing. Allele origin: germline.

Labcorp Genetics (formerly Invitae), Labcorp
Classification: Uncertain significance. Last evaluated: 2022-07-30. Review status: criteria provided, single submitter. Criteria: Invitae Variant Classification Sherloc (09022015). Collection method: clinical testing. Allele origin: germline.
Comment: This sequence change replaces leucine, which is neutral and non-polar, with valine, which is neutral and non-polar, at codon 178 of the STAR protein (p.Leu178Val). This variant is present in population databases (no rsID available, gnomAD 0.008%). This variant has not been reported in the literature in individuals affected with STAR-related conditions. Algorithms developed to predict the effect of missense changes on protein structure and function (SIFT, PolyPhen-2, Align-GVGD) all suggest that this variant is likely to be tolerated. In summary, the available evidence is currently insufficient to determine the role of this variant in disease. Therefore, it has been classified as a Variant of Uncertain Significance.